The following is an entry in ClinVar:

ClinVar aggregate classification (germline): Uncertain significance. Review status: criteria provided, multiple submitters, no conflicts (2 of 4 stars). 2 submissions from 2 submitters: Uncertain significance (2). Last evaluated 2026-07-19.

Conditions:
RETREG1-related disorder. Also called: RETREG1-related condition.

Allele frequency attached by ClinVar (database versions not stated): ExAC 0.00005.
gnomAD v4.1: 3 of 1,571,274 alleles (0.00019%); highest among the groups gnomAD compares: South Asian, 0.0034%; no homozygotes.

Submissions (2):

PreventionGenetics, part of Exact Sciences
Classification: Uncertain significance for RETREG1-related condition. Last evaluated: 2026-07-19. Review status: criteria provided, single submitter. Criteria: ACMG Guidelines, 2015. Collection method: clinical testing. Allele origin: germline.
Comment: The RETREG1 c.224C>G variant is predicted to result in the amino acid substitution p.Pro75Arg. To our knowledge, this variant has not been reported in the literature. This variant is reported in 0.0039% of alleles in individuals of South Asian descent in gnomAD. At this time, the clinical significance of this variant is uncertain due to the absence of conclusive functional and genetic evidence.

Labcorp Genetics (formerly Invitae), Labcorp
Classification: Uncertain significance. Last evaluated: 2022-07-06. Review status: criteria provided, single submitter. Criteria: Invitae Variant Classification Sherloc (09022015). Collection method: clinical testing. Allele origin: germline.
Comment: In summary, the available evidence is currently insufficient to determine the role of this variant in disease. Therefore, it has been classified as a Variant of Uncertain Significance. Algorithms developed to predict the effect of missense changes on protein structure and function (SIFT, PolyPhen-2, Align-GVGD) all suggest that this variant is likely to be tolerated. ClinVar contains an entry for this variant (Variation ID: 650850). This variant has not been reported in the literature in individuals affected with RETREG1-related conditions. This variant is present in population databases (rs780380167, gnomAD 0.004%). This sequence change replaces proline, which is neutral and non-polar, with arginine, which is basic and polar, at codon 75 of the RETREG1 protein (p.Pro75Arg).

NM_001034850.3(RETREG1):c.224C>G (p.Pro75Arg)

Genes: RETREG1 (reticulophagy regulator 1; minus strand), RETREG1-AS1 (RETREG1 antisense RNA 1; plus strand). Cytogenetic location: 5p15.1.
Variant type: single nucleotide variant.
Coding change: c.224C>G on transcript NM_001034850.3 (MANE Select); coding-DNA position 224, C replaced by G.
Protein change: p.Pro75Arg; replaces proline 75 with arginine.
Molecular consequence: missense variant.
Genome position (GRCh38, 1-based): chr5:16,616,748, G>C on the plus strand (C>G on the coding strand, the complement: RETREG1 is on the minus strand). VCF-style: chr5-16616748-G-C. GRCh37 (hg19) VCF-style: chr5-16616857-G-C.
Other names: short protein forms P75R.
Identifiers: ClinVar variation 650850 (VCV000650850.9), dbSNP rs780380167, ClinGen allele CA3210537.